The following is an entry in ClinVar:

NM_005033.3(EXOSC9):c.539G>A (p.Arg180His)

Gene: EXOSC9 (exosome component 9; plus strand). Cytogenetic location: 4q27.
Variant type: single nucleotide variant.
Coding change: c.539G>A on transcript NM_005033.3 (MANE Select); coding-DNA position 539, G replaced by A.
Protein change: p.Arg180His; replaces arginine 180 with histidine.
Molecular consequence: missense variant.
Genome position (GRCh38, 1-based): chr4:121,807,556, G>A. VCF-style: chr4-121807556-G-A. GRCh37 (hg19) VCF-style: chr4-122728711-G-A.
Other names: c.539G>A, p.Arg180His (NM_001034194.2); c.539G>A (NM_001034194.1); short protein forms R180H.
Identifiers: ClinVar variation 1915216 (VCV001915216.5), dbSNP rs200928513, ClinGen allele CA3063447.

ClinVar aggregate classification (germline): Uncertain significance. Review status: criteria provided, multiple submitters, no conflicts (2 of 4 stars). 2 submissions from 2 submitters: Uncertain significance (2). Last evaluated 2025-08-11.

Conditions:
Inborn genetic diseases. Identifiers: MedGen C0950123, MeSH D030342.

Allele frequency attached by ClinVar (database versions not stated): gnomAD 0.00001; gnomAD exomes 0.00002; TOPMed 0.00004; ExAC 0.00007.
gnomAD v4.1: 32 of 1,610,336 alleles (0.002%); highest among the groups gnomAD compares: East Asian, 0.033%; no homozygotes.

Submissions (2):

Ambry Genetics
Classification: Uncertain significance for Inborn genetic diseases. Last evaluated: 2025-08-11. Review status: criteria provided, single submitter. Criteria: Ambry Variant Classification Scheme 2023. Collection method: clinical testing. Allele origin: germline.

Labcorp Genetics (formerly Invitae), Labcorp
Classification: Uncertain significance. Last evaluated: 2022-08-10. Review status: criteria provided, single submitter. Criteria: Invitae Variant Classification Sherloc (09022015). Collection method: clinical testing. Allele origin: germline.
Comment: This sequence change replaces arginine, which is basic and polar, with histidine, which is basic and polar, at codon 180 of the EXOSC9 protein (p.Arg180His). This variant is present in population databases (rs200928513, gnomAD 0.08%). This variant has not been reported in the literature in individuals affected with EXOSC9-related conditions. Algorithms developed to predict the effect of missense changes on protein structure and function are either unavailable or do not agree on the potential impact of this missense change (SIFT: "Deleterious"; PolyPhen-2: "Benign"; Align-GVGD: "Class C25"). In summary, the available evidence is currently insufficient to determine the role of this variant in disease. Therefore, it has been classified as a Variant of Uncertain Significance.